The following is an entry in ClinVar:

NM_174936.4(PCSK9):c.2054C>T (p.Ala685Val)

Gene: PCSK9 (proprotein convertase subtilisin/kexin type 9; plus strand). Cytogenetic location: 1p32.3.
Variant type: single nucleotide variant.
Coding change: c.2054C>T on transcript NM_174936.4 (MANE Select); coding-DNA position 2054, C replaced by T.
Protein change: p.Ala685Val; replaces alanine 685 with valine.
Molecular consequence: missense variant. On other transcripts: non-coding transcript variant (8).
Genome position (GRCh38, 1-based): chr1:55,063,559, C>T. VCF-style: chr1-55063559-C-T. GRCh37 (hg19) VCF-style: chr1-55529232-C-T.
Other names: c.1553C>T, p.Ala518Val (NM_001407247.1); c.2177C>T, p.Ala726Val (NM_001407240.1); c.2096C>T, p.Ala699Val (NM_001407241.1); c.2057C>T, p.Ala686Val (NM_001407242.1); c.1997C>T, p.Ala666Val (NM_001407243.1); c.1880C>T, p.Ala627Val (NM_001407244.1); c.1862C>T, p.Ala621Val (NM_001407245.1); c.1679C>T, p.Ala560Val (NM_001407246.1); short protein forms A627V, A518V, A686V, A560V, A621V, A685V, A726V, A666V.
Identifiers: ClinVar variation 2739339 (VCV002739339.6), dbSNP rs992933965, ClinGen allele CA22768539.

ClinVar aggregate classification (germline): Conflicting classifications of pathogenicity. Review status: criteria provided, conflicting classifications (1 of 4 stars). 4 submissions from 4 submitters: Uncertain significance (3); Likely benign (1). Last evaluated 2025-07-17.

Conditions:
Hypercholesterolemia, autosomal dominant, 3 (FHCL3). Also called: Familial Hypercholesterolemia, Autosomal Dominant, 3; PCSK9-Related Familial Hypercholesterolemia, Autosomal Dominant; Familial hypercholesterolemia 3. Identifiers: MedGen C1863551, MONDO:0011369, OMIM 603776.
Cardiovascular phenotype. Identifiers: MedGen CN230736.
Familial hypercholesterolemia. Also called: Familial hypercholesterolaemia; Familial hypercholesterolemias. Identifiers: MedGen C0020445, MONDO:0005439.

Allele frequency attached by ClinVar (database versions not stated): TOPMed 0.00004; gnomAD 0.00005.
gnomAD v4.1: 31 of 1,612,536 alleles (0.0019%); highest among the groups gnomAD compares: African/African-American, 0.011%; no homozygotes.

Submissions (4):

Color Diagnostics, LLC DBA Color Health
Classification: Uncertain significance for Familial hypercholesterolemia. Last evaluated: 2025-07-17. Review status: criteria provided, single submitter. Criteria: ACMG Guidelines, 2015. Collection method: clinical testing. Allele origin: germline.
Comment: This missense variant replaces alanine with valine at codon 685 of the PCSK9 protein. Computational prediction suggests that this variant may not impact protein structure and function. To our knowledge, functional studies have not been reported for this variant. This variant has been reported in an individual affected with familial hypercholesterolemia (PMID: 33111339). This variant has been identified in 8/277868 chromosomes in the general population by the Genome Aggregation Database (gnomAD). The available evidence is insufficient to determine the role of this variant in disease conclusively. Therefore, this variant is classified as a Variant of Uncertain Significance.

Cambridge Genomics Laboratory, East Genomic Laboratory Hub, NHS Genomic Medicine Service
Classification: Uncertain significance for Familial hypercholesterolaemia. Last evaluated: 2025-07-15. Review status: criteria provided, single submitter. Criteria: ACGS Best Practice Guidelines for Variant Classification in Rare Disease 2020. Collection method: clinical testing. Allele origin: germline. Affected: yes.
Comment: PP4,BP4

Ambry Genetics
Classification: Likely benign for Cardiovascular phenotype. Last evaluated: 2024-11-18. Review status: criteria provided, single submitter. Criteria: Ambry Variant Classification Scheme 2023. Collection method: clinical testing. Allele origin: germline.

Labcorp Genetics (formerly Invitae), Labcorp
Classification: Uncertain significance for Hypercholesterolemia, autosomal dominant, 3. Last evaluated: 2023-06-02. Review status: criteria provided, single submitter. Criteria: Invitae Variant Classification Sherloc (09022015). Collection method: clinical testing. Allele origin: germline.
Comment: In summary, the available evidence is currently insufficient to determine the role of this variant in disease. Therefore, it has been classified as a Variant of Uncertain Significance. Advanced modeling of protein sequence and biophysical properties (such as structural, functional, and spatial information, amino acid conservation, physicochemical variation, residue mobility, and thermodynamic stability) performed at Invitae indicates that this missense variant is not expected to disrupt PCSK9 protein function. This missense change has been observed in individual(s) with Dyslipidemia (PMID: 33111339). This variant is present in population databases (no rsID available, gnomAD 0.03%). This sequence change replaces alanine, which is neutral and non-polar, with valine, which is neutral and non-polar, at codon 685 of the PCSK9 protein (p.Ala685Val).

Literature cited by the submitters: PubMed 33111339 (cited by Color Diagnostics, LLC DBA Color Health and Labcorp Genetics (formerly Invitae), Labcorp).